The following is an entry in ClinVar:

ClinVar aggregate classification (germline): Likely benign. Review status: criteria provided, multiple submitters, no conflicts (2 of 4 stars). 2 submissions from 2 submitters: Likely benign (2). Last evaluated 2026-01-27.

Conditions:
Epidermolysis bullosa simplex with nail dystrophy (EBS5D). Identifiers: MedGen C4225309, MONDO:0014661, OMIM 616487.
Epidermolysis bullosa simplex 5B, with muscular dystrophy (EBS5B). Also called: EPIDERMOLYSIS BULLOSA SIMPLEX AND LIMB-GIRDLE MUSCULAR DYSTROPHY; Epidermolysis bullosa simplex with muscular dystrophy. Identifiers: Orphanet 257, MedGen C2931072, MONDO:0009181, OMIM 226670.
Epidermolysis bullosa simplex, Ogna type (EBS5A). Also called: Pidermolysis bullosa simplex 5A, Ogna type; EPIDERMOLYSIS BULLOSA SIMPLEX 5A, OGNA TYPE. Identifiers: Orphanet 79401, MedGen C0432317, MONDO:0007555, OMIM 131950.
Autosomal recessive limb-girdle muscular dystrophy type 2Q (LGMDR17). Also called: MUSCULAR DYSTROPHY, LIMB-GIRDLE, AUTOSOMAL RECESSIVE 17. Identifiers: Orphanet 254361, MedGen C3150989, MONDO:0013390, OMIM 613723.
Epidermolysis bullosa simplex 5C, with pyloric atresia (EBS5C). Also called: PLEC-Related Epidermolysis Bullosa with Pyloric Atresia; Epidermolysis bullosa simplex with pyloric atresia; PLEC1-Related Epidermolysis Bullosa with Pyloric Atresia. Identifiers: Orphanet 158684, MedGen C2677349, MONDO:0012807, OMIM 612138.

Allele frequency attached by ClinVar (database versions not stated): gnomAD 0.00001; gnomAD exomes 0.00002 and 0.00003; ExAC 0.00003; TOPMed 0.00003.
gnomAD v4.1: 31 of 1,612,958 alleles (0.0019%); highest among the groups gnomAD compares: Middle Eastern, 0.033%; no homozygotes.

Submissions (2):

Labcorp Genetics (formerly Invitae), Labcorp
Classification: Likely benign for Autosomal recessive limb-girdle muscular dystrophy type 2Q; Epidermolysis bullosa simplex, Ogna type; Epidermolysis bullosa simplex with nail dystrophy; Epidermolysis bullosa simplex 5C, with pyloric atresia; Epidermolysis bullosa simplex 5B, with muscular dystrophy. Last evaluated: 2026-01-27. Review status: criteria provided, single submitter. Criteria: Invitae Variant Classification Sherloc (09022015). Collection method: clinical testing. Allele origin: germline.

GeneDx
Classification: Likely benign. Last evaluated: 2016-06-29. Review status: criteria provided, single submitter. Criteria: GeneDx Variant Classification (06012015). Collection method: clinical testing. Allele origin: germline. Affected: yes.
Comment: This variant is considered likely benign or benign based on one or more of the following criteria: it is a conservative change, it occurs at a poorly conserved position in the protein, it is predicted to be benign by multiple in silico algorithms, and/or has population frequency not consistent with disease.

NM_201384.3(PLEC):c.9714G>A (p.Pro3238=)

Gene: PLEC (plectin; minus strand). Cytogenetic location: 8q24.3.
Variant type: single nucleotide variant.
Coding change: c.9714G>A on transcript NM_201384.3 (MANE Select); coding-DNA position 9714, G replaced by A.
Protein change: p.Pro3238=; no amino-acid change (proline 3238 retained).
Molecular consequence: synonymous variant.
Genome position (GRCh38, 1-based): chr8:143,920,107, C>T on the plus strand (G>A on the coding strand, the complement: PLEC is on the minus strand). VCF-style: chr8-143920107-C-T. GRCh37 (hg19) VCF-style: chr8-144994275-C-T.
Other names: c.9672G>A, p.Pro3224= (NM_201378.4); c.9648G>A, p.Pro3216= (NM_201379.3); c.10125G>A, p.Pro3375= (NM_201380.4); c.9618G>A, p.Pro3206= (NM_201381.3); c.9714G>A, p.Pro3238= (NM_201382.4); c.9726G>A, p.Pro3242= (NM_201383.3); c.9795G>A, p.Pro3265= (NM_000445.5).
Identifiers: ClinVar variation 386888 (VCV000386888.9), dbSNP rs781935607, ClinGen allele CA4924878.
Genomic context (GRCh38, chr8:143,920,107, plus strand): 5'-GCTGATGAGCTCCCACACCGTCACCGTCCTGCCCTTGAAGCCACCCACGGGGACCTCAAC[C>T]GGGGTCTTTTCAAAGGTCTCACGGGCCTGCAGCTCTGAGTAGAGCTCCTCCTGCCGGGCC-3'
Protein context (NP_958786.1, residues 3228-3248): LQARETFEKT[Pro3238=]VEVPVGGFKG